The following is an entry in ClinVar:

ClinVar aggregate classification (germline): Uncertain significance (1 of 4 stars; one submission).

Conditions:
Cystic fibrosis (CF). Also called: MUCOVISCIDOSIS. Identifiers: Orphanet 586, MedGen C0010674, MONDO:0009061, OMIM 219700. Disease mechanism: loss of function.

Submission:

Johns Hopkins Genomics, Johns Hopkins University
Classification: Uncertain significance for Cystic fibrosis. Last evaluated: 2019-11-21. Review status: criteria provided, single submitter. Criteria: ACMG Guidelines, 2015. Collection method: clinical testing. Allele origin: germline.
Comment: This CFTR variant has not been reported in ClinVar or in the literature in patients with cystic fibrosis, to our knowledge. It is absent from two large population datasets. Three bioinformatics tools queried predict that this substitution would be damaging and the asparagine residue at this position is evolutionarily conserved among all species assessed except lamprey. Due to insufficient evidence that this variant is deleterious, we consider the clinical significance of c.3249T>A to be uncertain at this time.

NM_000492.4(CFTR):c.3249T>A (p.Asn1083Lys)

Genes: CFTR (CF transmembrane conductance regulator; plus strand), CFTR-AS2 (CFTR antisense RNA 2; minus strand), LOC111674472 (DNase I hypersensitive sites in introns 16 and 17a of CFTR; plus strand). Cytogenetic location: 7q31.2.
Variant type: single nucleotide variant.
Coding change: c.3249T>A on transcript NM_000492.4 (MANE Select); coding-DNA position 3249, T replaced by A.
Protein change: p.Asn1083Lys; replaces asparagine 1083 with lysine.
Molecular consequence: missense variant.
Genome position (GRCh38, 1-based): chr7:117,611,690, T>A. VCF-style: chr7-117611690-T-A. GRCh37 (hg19) VCF-style: chr7-117251744-T-A.
Other names: short protein forms N1083K.
Identifiers: ClinVar variation 816681 (VCV000816681.1), dbSNP rs1584822326, ClinGen allele CA368992248.